The following is an entry in ClinVar:

NM_001368397.1(FRMPD4):c.1948A>G (p.Lys650Glu)

Gene: FRMPD4 (FERM and PDZ domain containing 4; plus strand). Cytogenetic location: Xp22.2.
Variant type: single nucleotide variant.
Coding change: c.1948A>G on transcript NM_001368397.1 (MANE Select); coding-DNA position 1948, A replaced by G.
Protein change: p.Lys650Glu; replaces lysine 650 with glutamic acid.
Molecular consequence: missense variant.
Genome position (GRCh38, 1-based): chrX:12,716,407, A>G. VCF-style: chrX-12716407-A-G. GRCh37 (hg19) VCF-style: chrX-12734526-A-G.
Other names: c.2059A>G, p.Lys687Glu (NM_001368395.3, NM_001368398.3); c.1954A>G, p.Lys652Glu (NM_001368396.3); c.1939A>G, p.Lys647Glu (NM_001368399.3); c.1828A>G, p.Lys610Glu (NM_001368400.3); c.1924A>G, p.Lys642Glu (NM_001368401.1, NM_001368402.3); c.1948A>G, p.Lys650Glu (NM_014728.3); short protein forms K610E, K642E, K647E, K650E, K652E, K687E.
Identifiers: ClinVar variation 3364729 (VCV003364729.1).
Genomic context (GRCh38, chrX:12,716,407, plus strand): 5'-CTATTGACCCTCTCAGGACCAGAAACTCTGAAGAAAGCACAGGAATCTCCGAGAGGAGCT[A>G]AAGTGTCCTTTATTTTTGGAGACTTCGCCTTGGATGATGGTATTAGTCCCCCAACCCTTG-3'
Protein context (NP_001355326.1, residues 640-660): KKAQESPRGA[Lys650Glu]VSFIFGDFAL

ClinVar aggregate classification (germline): Uncertain significance (1 of 4 stars; one submission).

Submission:

GeneDx
Classification: Uncertain significance. Last evaluated: 2023-11-25. Review status: criteria provided, single submitter. Criteria: GeneDx Variant Classification Process June 2021. Collection method: clinical testing. Allele origin: germline. Affected: yes.
Comment: Not observed at significant frequency in large population cohorts (gnomAD); In silico analysis supports that this missense variant does not alter protein structure/function; Has not been previously published as pathogenic or benign to our knowledge